The following is an entry in ClinVar:

NM_000059.4(BRCA2):c.8021A>G (p.Lys2674Arg)

Gene: BRCA2 (BRCA2 DNA repair associated; plus strand). Cytogenetic location: 13q13.1.
Variant type: single nucleotide variant.
Coding change: c.8021A>G on transcript NM_000059.4 (MANE Select); coding-DNA position 8021, A replaced by G.
Protein change: p.Lys2674Arg; replaces lysine 2674 with arginine.
Molecular consequence: missense variant. On other transcripts: non-coding transcript variant (1).
Genome position (GRCh38, 1-based): chr13:32,363,223, A>G. VCF-style: chr13-32363223-A-G. GRCh37 (hg19) VCF-style: chr13-32937360-A-G.
Other names: c.7925A>G, p.Lys2642Arg (NM_001406719.1); c.8021A>G, p.Lys2674Arg (NM_001406720.1, NM_001432077.1); c.3089A>G, p.Lys1030Arg (NM_001406721.1); c.1604A>G, p.Lys535Arg (NM_001406722.1); short protein forms K1030R, K2642R, K2674R, K535R.
Identifiers: ClinVar variation 4852578 (VCV004852578.1).

ClinVar aggregate classification (somatic clinical impact): Tier III - Unknown. Review status: no assertion criteria provided (0 of 4 stars). 5 submissions from 1 submitter.

Conditions:
Spindle cell sarcoma. Identifiers: MedGen C0205945, MeSH D012509, MONDO:0002927.
Lung cancer. Also called: Lung cancer, somatic; Malignant tumor of lung. Identifiers: MedGen C0242379, MONDO:0008903, OMIM 211980.
Familial cancer of breast. Also called: Hereditary breast cancer; hereditary breast carcinoma; BREAST CANCER, FAMILIAL. Identifiers: Orphanet 227535, MedGen C0346153, MONDO:0016419, OMIM 114480. Disease mechanism: loss of function.
Malignant tumor of urinary bladder. Also called: Bladder cancer; Urinary Bladder Neoplasms; Urinary bladder cancer. Identifiers: MedGen C0005684, MONDO:0001187, OMIM 109800.
Cervical cancer. Also called: Cervical cancer, somatic; Cancer of cervix; Cervix cancer. Identifiers: MedGen C4048328, MONDO:0002974, OMIM 603956, HP:0030079.

Submissions (5):

Faculté Pluridciplinaire Nador, Université Mohamed Premier
Classification: Tier III - Unknown for Spindle cell sarcoma. Review status: no assertion criteria provided. Collection method: research. Allele origin: somatic. Affected: yes.
Comment: The following databases and algorithms are used to annotate and evaluate the impact of the variant in the context of human disease: 1000 genomes, gnomAD, ClinVar, OMIM, dbSNP, NCIB RefSeq Genes, ExAC Gene Constraints, VS-SIFT, VS-PolyPhen2, PhyloP, GERP++, GeneSplicer, MaxEntScan, NNSplice, PWM Splice Predictor.

Faculté Pluridciplinaire Nador, Université Mohamed Premier
Classification: Tier III - Unknown for Malignant tumor of urinary bladder. Review status: no assertion criteria provided. Collection method: research. Allele origin: somatic. Affected: yes.
Comment: the same text as in the submission from Faculté Pluridciplinaire Nador, Université Mohamed Premier above.

Faculté Pluridciplinaire Nador, Université Mohamed Premier
Classification: Tier III - Unknown for Familial cancer of breast. Review status: no assertion criteria provided. Collection method: research. Allele origin: somatic. Affected: yes.
Comment: the same text as in the submission from Faculté Pluridciplinaire Nador, Université Mohamed Premier above.

Faculté Pluridciplinaire Nador, Université Mohamed Premier
Classification: Tier III - Unknown for Lung cancer. Review status: no assertion criteria provided. Collection method: research. Allele origin: somatic. Affected: yes.
Comment: the same text as in the submission from Faculté Pluridciplinaire Nador, Université Mohamed Premier above.

Faculté Pluridciplinaire Nador, Université Mohamed Premier
Classification: Tier III - Unknown for Cervical cancer. Review status: no assertion criteria provided. Collection method: research. Allele origin: somatic. Affected: yes.
Comment: the same text as in the submission from Faculté Pluridciplinaire Nador, Université Mohamed Premier above.